The following is an entry in ClinVar:

NM_138694.4(PKHD1):c.7717C>G (p.Arg2573Gly)

Gene: PKHD1 (PKHD1 ciliary IPT domain containing fibrocystin/polyductin; minus strand). Cytogenetic location: 6p12.2.
Variant type: single nucleotide variant.
Coding change: c.7717C>G on transcript NM_138694.4 (MANE Select); coding-DNA position 7717, C replaced by G.
Protein change: p.Arg2573Gly; replaces arginine 2573 with glycine.
Molecular consequence: missense variant.
Genome position (GRCh38, 1-based): chr6:51,867,879, G>C on the plus strand (C>G on the coding strand, the complement: PKHD1 is on the minus strand). VCF-style: chr6-51867879-G-C. GRCh37 (hg19) VCF-style: chr6-51732677-G-C.
Other names: c.7717C>G, p.Arg2573Gly (NM_170724.3); short protein forms R2573G.
Identifiers: ClinVar variation 5002098 (VCV005002098.1).

ClinVar aggregate classification (germline): Uncertain significance (1 of 4 stars; one submission).

Conditions:
PKHD1-related disorder. Also called: PKHD1-related condition.

Submission:

PreventionGenetics, part of Exact Sciences
Classification: Uncertain significance for PKHD1-related condition. Last evaluated: 2025-05-14. Review status: criteria provided, single submitter. Criteria: ACMG Guidelines, 2015. Collection method: clinical testing. Allele origin: germline.
Comment: The PKHD1 c.7717C>G variant is predicted to result in the amino acid substitution p.Arg2573Gly. To our knowledge, this variant has not been reported in the literature or in a large population database (gnomAD), indicating this variant is rare. An alternate missense change at the same amino acid position (p.Arg2573Cys) has been reported in an individual with polycystic kidney disease (Gunay-Aygun et al. 2010. PubMed ID: 19914852). At this time, the clinical significance of this variant is uncertain due to the absence of conclusive functional and genetic evidence.